The following is an entry in ClinVar:

ClinVar aggregate classification (germline): Pathogenic/Likely pathogenic. Review status: criteria provided, multiple submitters, no conflicts (2 of 4 stars). 2 submissions from 2 submitters: Pathogenic (1); Likely pathogenic (1). Last evaluated 2023-09-09.

Conditions:
Retinitis pigmentosa 28 (RP28). Identifiers: Orphanet 791, MedGen C1419614, MONDO:0011630, OMIM 606068.

Allele frequency attached by ClinVar (database versions not stated): gnomAD exomes below 0.00001.

Submissions (2):

Baylor Genetics
Classification: Likely pathogenic for Retinitis pigmentosa 28. Last evaluated: 2023-09-09. Review status: criteria provided, single submitter. Criteria: ACMG Guidelines, 2015. Collection method: clinical testing. Allele origin: unknown.

Labcorp Genetics (formerly Invitae), Labcorp
Classification: Pathogenic. Last evaluated: 2021-01-16. Review status: criteria provided, single submitter. Criteria: Invitae Variant Classification Sherloc (09022015). Collection method: clinical testing. Allele origin: germline.
Comment: This sequence change creates a premature translational stop signal (p.Gln127*) in the FAM161A gene. It is expected to result in an absent or disrupted protein product. Loss-of-function variants in FAM161A are known to be pathogenic (PMID: 20705278, 20705279, 24651477). This variant is not present in population databases (ExAC no frequency). This variant has not been reported in the literature in individuals with FAM161A-related conditions. ClinVar contains an entry for this variant (Variation ID: 862775). For these reasons, this variant has been classified as Pathogenic.

Literature cited by the submitters: PubMed 20705278 (cited by Labcorp Genetics (formerly Invitae), Labcorp); PubMed 20705279 (cited by Labcorp Genetics (formerly Invitae), Labcorp); PubMed 24651477 (cited by Labcorp Genetics (formerly Invitae), Labcorp).

NM_001201543.2(FAM161A):c.379C>T (p.Gln127Ter)

Gene: FAM161A (FAM161 centrosomal protein A; minus strand). Cytogenetic location: 2p15.
Variant type: single nucleotide variant.
Coding change: c.379C>T on transcript NM_001201543.2 (MANE Select); coding-DNA position 379, C replaced by T.
Protein change: p.Gln127Ter; replaces glutamine 127 with a stop codon.
Molecular consequence: nonsense. On other transcripts: non-coding transcript variant (1).
Genome position (GRCh38, 1-based): chr2:61,842,165, G>A on the plus strand (C>T on the coding strand, the complement: FAM161A is on the minus strand). VCF-style: chr2-61842165-G-A. GRCh37 (hg19) VCF-style: chr2-62069300-G-A.
Other names: c.379C>T, p.Gln127Ter (NM_032180.3); short protein forms Q127*.
Identifiers: ClinVar variation 862775 (VCV000862775.8), dbSNP rs1673040470, ClinGen allele CA346989302.